The following is an entry in ClinVar:

NM_001378454.1(ALMS1):c.2218C>T (p.Leu740Phe)

Gene: ALMS1 (ALMS1 centrosome and basal body associated protein; plus strand). Cytogenetic location: 2p13.1.
Variant type: single nucleotide variant.
Coding change: c.2218C>T on transcript NM_001378454.1 (MANE Select); coding-DNA position 2218, C replaced by T.
Protein change: p.Leu740Phe; replaces leucine 740 with phenylalanine.
Molecular consequence: missense variant.
Genome position (GRCh38, 1-based): chr2:73,448,745, C>T. VCF-style: chr2-73448745-C-T. GRCh37 (hg19) VCF-style: chr2-73675872-C-T.
Other names: c.2221C>T, p.Leu741Phe (NM_015120.4); short protein forms L741F, L740F.
Identifiers: ClinVar variation 2067330 (VCV002067330.3), dbSNP rs752375658, ClinGen allele CA1713306.

ClinVar aggregate classification (germline): Uncertain significance (1 of 4 stars; one submission).

Conditions:
Alstrom syndrome (ALMS). Identifiers: Orphanet 64, MedGen C0268425, MONDO:0008763, OMIM 203800.

Allele frequency attached by ClinVar (database versions not stated): gnomAD exomes below 0.00001; ExAC 0.00001.
gnomAD v4.1: 6 of 1,605,380 alleles (0.00037%); highest among the groups gnomAD compares: South Asian, 0.0033%; no homozygotes.

Submission:

Labcorp Genetics (formerly Invitae), Labcorp
Classification: Uncertain significance for Alstrom syndrome. Last evaluated: 2024-01-18. Review status: criteria provided, single submitter. Criteria: Invitae Variant Classification Sherloc (09022015). Collection method: clinical testing. Allele origin: germline.
Comment: This sequence change replaces leucine, which is neutral and non-polar, with phenylalanine, which is neutral and non-polar, at codon 741 of the ALMS1 protein (p.Leu741Phe). This variant is present in population databases (rs752375658, gnomAD 0.003%). This variant has not been reported in the literature in individuals affected with ALMS1-related conditions. ClinVar contains an entry for this variant (Variation ID: 2067330). Experimental studies and prediction algorithms are not available or were not evaluated, and the functional significance of this variant is currently unknown. In summary, the available evidence is currently insufficient to determine the role of this variant in disease. Therefore, it has been classified as a Variant of Uncertain Significance.